The following is an entry in ClinVar:

NM_002234.4(KCNA5):c.251A>C (p.Glu84Ala)

Gene: KCNA5 (potassium voltage-gated channel subfamily A member 5; plus strand). Cytogenetic location: 12p13.32.
Variant type: single nucleotide variant.
Coding change: c.251A>C on transcript NM_002234.4 (MANE Select); coding-DNA position 251, A replaced by C.
Protein change: p.Glu84Ala; replaces glutamic acid 84 with alanine.
Molecular consequence: missense variant.
Genome position (GRCh38, 1-based): chr12:5,044,398, A>C. VCF-style: chr12-5044398-A-C. GRCh37 (hg19) VCF-style: chr12-5153564-A-C.
Other names: short protein forms E84A.
Identifiers: ClinVar variation 191456 (VCV000191456.32), dbSNP rs377036305, ClinGen allele CA236709.

ClinVar aggregate classification (germline): Conflicting classifications of pathogenicity. Review status: criteria provided, conflicting classifications (1 of 4 stars). 6 submissions from 6 submitters: Uncertain significance (3); Likely benign (3). Last evaluated 2026-01-11.

Conditions:
Atrial fibrillation, familial, 7 (ATFB7). Identifiers: MedGen C2677106, MONDO:0012828, OMIM 612240.

Allele frequency attached by ClinVar (database versions not stated): gnomAD exomes 0.00011; TOPMed 0.00014; gnomAD 0.00016 and 0.00018; ESP Exome Variant Server 0.00024; ExAC 0.00051.

Submissions (6):

Labcorp Genetics (formerly Invitae), Labcorp
Classification: Likely benign for Atrial fibrillation, familial, 7. Last evaluated: 2026-01-11. Review status: criteria provided, single submitter. Criteria: Invitae Variant Classification Sherloc (09022015). Collection method: clinical testing. Allele origin: germline.

Blueprint Genetics
Classification: Likely benign. Last evaluated: 2024-11-23. Review status: criteria provided, single submitter. Criteria: ACMG Guidelines, 2015. Collection method: clinical testing. Allele origin: germline.

Department of Pathology and Laboratory Medicine, Sinai Health System
Classification: Uncertain significance for Atrial fibrillation, familial, 7. Last evaluated: 2021-07-30. Review status: criteria provided, single submitter. Criteria: ACMG Guidelines, 2015. Collection method: research. Allele origin: germline.

GeneDx
Classification: Likely benign. Last evaluated: 2020-04-01. Review status: criteria provided, single submitter. Criteria: GeneDx Variant Classification Process June 2021. Collection method: clinical testing. Allele origin: germline. Affected: yes.

Illumina Laboratory Services, Illumina
Classification: Uncertain significance for Atrial fibrillation, familial, 7. Last evaluated: 2018-01-12. Review status: criteria provided, single submitter. Criteria: ICSL Variant Classification Criteria 13 December 2019. Collection method: clinical testing. Allele origin: germline.

Biesecker Lab/Clinical Genomics Section, National Institutes of Health
Classification: Uncertain significance. Last evaluated: 2013-06-24. Review status: criteria provided, single submitter. Criteria: Ng et al. (Circ Cardiovasc Genet. 2013). Collection method: research. Allele origin: unknown. Observed: 1 variant allele. Study: ClinSeq.
Comment: The study set was not selected for affection status in relation to any cancer. Pathogenicity categories were based on literature curation. See Pubmed ID:23861362 for details.

Medical sequencing